The following is an entry in ClinVar:

ClinVar aggregate classification (germline): Pathogenic (1 of 4 stars; one submission).

Allele frequency attached by ClinVar (database versions not stated): gnomAD exomes below 0.00001; ExAC 0.00001; TOPMed 0.00001.

Submission:

GeneDx
Classification: Pathogenic. Last evaluated: 2021-05-13. Review status: criteria provided, single submitter. Criteria: GeneDx Variant Classification Process June 2021. Collection method: clinical testing. Allele origin: germline. Affected: yes.
Comment: Has not been previously published as pathogenic or benign to our knowledge; Nonsense variant in the C-terminus predicted to result in protein truncation, as the last 3500 amino acids are lost, and other loss-of-function variants have been reported downstream in the Human Gene Mutation Database (Stenson et al., 2014)

NM_002016.2(FLG):c.1685C>A (p.Ser562Ter)

Genes: FLG (filaggrin; minus strand), FLG-AS1 (FLG antisense RNA 1; plus strand). Cytogenetic location: 1q21.3.
Variant type: single nucleotide variant.
Coding change: c.1685C>A on transcript NM_002016.2 (MANE Select); coding-DNA position 1685, C replaced by A.
Protein change: p.Ser562Ter; replaces serine 562 with a stop codon.
Molecular consequence: nonsense.
Genome position (GRCh38, 1-based): chr1:152,313,201, G>T on the plus strand (C>A on the coding strand, the complement: FLG is on the minus strand). VCF-style: chr1-152313201-G-T. GRCh37 (hg19) VCF-style: chr1-152285677-G-T.
Other names: short protein forms S562*.
Identifiers: ClinVar variation 1325967 (VCV001325967.2), dbSNP rs754567575, ClinGen allele CA1107521.
Genomic context (GRCh38, chr1:152,313,201, plus strand): 5'-CTGGTGCCGTCTCCTGATTGTTCCTCATTTCGTGTTTGTCTGCTTGCACTTCTGGATCCT[G>T]ACTGCCCATGGGAGGCATCAGACCTTCCCTGGGATGTGGTGTGGCTGTGATGGGAACCTG-3'